The following is an entry in ClinVar:

ClinVar aggregate classification (germline): Conflicting classifications of pathogenicity. Review status: criteria provided, conflicting classifications (1 of 4 stars). 5 submissions from 5 submitters: Uncertain significance (3); Likely benign (1). 1 of the submissions does not count toward it. Last evaluated 2024-10-28.

Conditions:
Hereditary intrinsic factor deficiency (IFD). Also called: Congenital intrinsic factor deficiency; PERNICIOUS ANEMIA, CONGENITAL, DUE TO DEFECT OF INTRINSIC FACTOR. Identifiers: Orphanet 332, MedGen C2062370, MONDO:0009852, OMIM 261000.
CBLIF-related disorder. Also called: CBLIF-related condition.

Allele frequency attached by ClinVar (database versions not stated): ESP Exome Variant Server 0.00008; gnomAD exomes 0.00008 and 0.00012; ExAC 0.00010; TOPMed 0.00016; 1000 Genomes Project 30x 0.00031; 1000 Genomes Project 0.00040.
gnomAD v4.1: 133 of 1,608,092 alleles (0.0083%); highest among the groups gnomAD compares: Middle Eastern, 0.18%; no homozygotes.

Submissions (5):

Labcorp Genetics (formerly Invitae), Labcorp
Classification: Uncertain significance for Hereditary intrinsic factor deficiency. Last evaluated: 2024-10-28. Review status: criteria provided, single submitter. Criteria: Invitae Variant Classification Sherloc (09022015). Collection method: clinical testing. Allele origin: germline.
Comment: This sequence change falls in intron 1 of the GIF gene. It does not directly change the encoded amino acid sequence of the GIF protein. It affects a nucleotide within the consensus splice site. This variant is present in population databases (rs146396839, gnomAD 0.05%). This variant has not been reported in the literature in individuals affected with GIF-related conditions. ClinVar contains an entry for this variant (Variation ID: 305045). Variants that disrupt the consensus splice site are a relatively common cause of aberrant splicing (PMID: 17576681, 9536098). Algorithms developed to predict the effect of sequence changes on RNA splicing suggest that this variant is not likely to affect RNA splicing. In summary, the available evidence is currently insufficient to determine the role of this variant in disease. Therefore, it has been classified as a Variant of Uncertain Significance.

Blueprint Genetics
Classification: Likely benign. Last evaluated: 2024-07-31. Review status: criteria provided, single submitter. Criteria: ACMG Guidelines, 2015. Collection method: clinical testing. Allele origin: germline.

Illumina Laboratory Services, Illumina
Classification: Uncertain significance for Hereditary intrinsic factor deficiency. Last evaluated: 2018-01-13. Review status: criteria provided, single submitter. Criteria: ICSL Variant Classification Criteria 13 December 2019. Collection method: clinical testing. Allele origin: germline.

Breakthrough Genomics
Classification: Uncertain significance. Review status: criteria provided, single submitter. Criteria: ACMG Guidelines, 2015. Collection method: not provided. Allele origin: germline. Inheritance: Autosomal recessive inheritance. Affected: yes.

PreventionGenetics, part of Exact Sciences
Classification: Likely benign for CBLIF-related condition. Last evaluated: 2020-05-06. Review status: no assertion criteria provided. Collection method: clinical testing. Allele origin: germline. Not counted in ClinVar's aggregate classification.
Comment: This variant is classified as likely benign based on ACMG/AMP sequence variant interpretation guidelines (Richards et al. 2015 PMID: 25741868, with internal and published modifications).

Literature cited by the submitters: PubMed 17576681 (cited by Labcorp Genetics (formerly Invitae), Labcorp); PubMed 9536098 (cited by Labcorp Genetics (formerly Invitae), Labcorp).

NM_005142.3(CBLIF):c.79+3G>A

Gene: CBLIF (cobalamin binding intrinsic factor; minus strand). Cytogenetic location: 11q12.1.
Variant type: single nucleotide variant.
Coding change: c.79+3G>A on transcript NM_005142.3 (MANE Select); 3 bases into the intron after coding-DNA position 79, G replaced by A.
Molecular consequence: intron variant.
Genome position (GRCh38, 1-based): chr11:59,845,372, C>T on the plus strand (G>A on the coding strand, the complement: CBLIF is on the minus strand). VCF-style: chr11-59845372-C-T. GRCh37 (hg19) VCF-style: chr11-59612845-C-T.
Identifiers: ClinVar variation 305045 (VCV000305045.11), dbSNP rs146396839, ClinGen allele CA6021700.